The following is an entry in ClinVar:

NM_003791.4(MBTPS1):c.2755C>G (p.Pro919Ala)

Gene: MBTPS1 (membrane bound transcription factor peptidase, site 1; minus strand). Cytogenetic location: 16q23.3.
Variant type: single nucleotide variant.
Coding change: c.2755C>G on transcript NM_003791.4 (MANE Select); coding-DNA position 2755, C replaced by G.
Protein change: p.Pro919Ala; replaces proline 919 with alanine.
Molecular consequence: missense variant.
Genome position (GRCh38, 1-based): chr16:84,059,378, G>C on the plus strand (C>G on the coding strand, the complement: MBTPS1 is on the minus strand). VCF-style: chr16-84059378-G-C. GRCh37 (hg19) VCF-style: chr16-84092983-G-C.
Other names: short protein forms P919A.
Identifiers: ClinVar variation 4706441 (VCV004706441.1).

ClinVar aggregate classification (germline): Uncertain significance (1 of 4 stars; one submission).

gnomAD v4.1: 22 of 1,614,022 alleles (0.0014%); highest among the groups gnomAD compares: Non-Finnish European, 0.0014%; no homozygotes.

Submission:

Labcorp Genetics (formerly Invitae), Labcorp
Classification: Uncertain significance. Last evaluated: 2025-05-22. Review status: criteria provided, single submitter. Criteria: Invitae Variant Classification Sherloc (09022015). Collection method: clinical testing. Allele origin: germline.
Comment: This sequence change replaces proline, which is neutral and non-polar, with alanine, which is neutral and non-polar, at codon 919 of the MBTPS1 protein (p.Pro919Ala). This variant is present in population databases (no rsID available, gnomAD 0.002%). This variant has not been reported in the literature in individuals affected with MBTPS1-related conditions. An algorithm developed to predict the effect of missense changes on protein structure and function (PolyPhen-2) suggests that this variant is likely to be tolerated. In summary, the available evidence is currently insufficient to determine the role of this variant in disease. Therefore, it has been classified as a Variant of Uncertain Significance.